The following is an entry in ClinVar:

ClinVar aggregate classification (germline): Uncertain significance (1 of 4 stars; one submission).

Conditions:
Familial cancer of breast. Also called: Hereditary breast cancer; BREAST CANCER, FAMILIAL; hereditary breast carcinoma. Identifiers: Orphanet 227535, MedGen C0346153, MONDO:0016419, OMIM 114480. Disease mechanism: loss of function.
Fanconi anemia complementation group J. Also called: BRIP1-Related Fanconi Anemia. Identifiers: Orphanet 84, MedGen C1836860, MONDO:0012187, OMIM 609054.

Submission:

Labcorp Genetics (formerly Invitae), Labcorp
Classification: Uncertain significance for Familial cancer of breast; Fanconi anemia complementation group J. Last evaluated: 2021-12-15. Review status: criteria provided, single submitter. Criteria: Invitae Variant Classification Sherloc (09022015). Collection method: clinical testing. Allele origin: germline.
Comment: This sequence change replaces cysteine, which is neutral and slightly polar, with phenylalanine, which is neutral and non-polar, at codon 125 of the BRIP1 protein (p.Cys125Phe). This variant is not present in population databases (gnomAD no frequency). This variant has not been reported in the literature in individuals affected with BRIP1-related conditions. Algorithms developed to predict the effect of missense changes on protein structure and function (SIFT, PolyPhen-2, Align-GVGD) all suggest that this variant is likely to be tolerated. In summary, the available evidence is currently insufficient to determine the role of this variant in disease. Therefore, it has been classified as a Variant of Uncertain Significance.

NM_032043.3(BRIP1):c.374G>T (p.Cys125Phe)

Gene: BRIP1 (BRCA1 interacting DNA helicase 1; minus strand). Cytogenetic location: 17q23.2.
Variant type: single nucleotide variant.
Coding change: c.374G>T on transcript NM_032043.3 (MANE Select); coding-DNA position 374, G replaced by T.
Protein change: p.Cys125Phe; replaces cysteine 125 with phenylalanine.
Molecular consequence: missense variant.
Genome position (GRCh38, 1-based): chr17:61,857,063, C>A on the plus strand (G>T on the coding strand, the complement: BRIP1 is on the minus strand). VCF-style: chr17-61857063-C-A. GRCh37 (hg19) VCF-style: chr17-59934424-C-A.
Other names: short protein forms C125F.
Identifiers: ClinVar variation 1477952 (VCV001477952.7), dbSNP rs876660020, ClinGen allele CA400485273.